The following is an entry in ClinVar:

NR_001564.3(XIST):n.204G>T

Gene: XIST (X inactive specific transcript; minus strand). Cytogenetic location: Xq13.2.
Variant type: single nucleotide variant.
Molecular consequence: non-coding transcript variant (on NR_001564.3).
Genome position: GRCh38 VCF-style: chrX-73852511-C-A. GRCh37 (hg19) VCF-style: chrX-73072346-C-A.
Identifiers: ClinVar variation 4980278 (VCV004980278.1).

ClinVar aggregate classification (germline): Likely benign (1 of 4 stars; one submission).

Conditions:
XIST-related disorder. Also called: XIST-related condition.

gnomAD v4.1: 135 of 537,780 alleles (0.025%); highest among the groups gnomAD compares: African/African-American, 0.24%; 1 homozygote.

Submission:

PreventionGenetics, part of Exact Sciences
Classification: Likely benign for XIST-related condition. Last evaluated: 2026-02-04. Review status: criteria provided, single submitter. Criteria: ACMG Guidelines, 2015. Collection method: clinical testing. Allele origin: germline.
Comment: This variant is classified as likely benign based on ACMG/AMP sequence variant interpretation guidelines (Richards et al. 2015 PMID: 25741868, with internal and published modifications).